The following is an entry in ClinVar:

NM_000516.7(GNAS):c.716A>G (p.Asn239Ser)

Gene: GNAS (GNAS complex locus; plus strand). Cytogenetic location: 20q13.32.
Variant type: single nucleotide variant.
Coding change: c.716A>G on transcript NM_000516.7 (MANE Select); coding-DNA position 716, A replaced by G.
Protein change: p.Asn239Ser; replaces asparagine 239 with serine.
Molecular consequence: missense variant. On other transcripts: 3 prime UTR variant (2).
Genome position (GRCh38, 1-based): chr20:58,909,577, A>G. VCF-style: chr20-58909577-A-G. GRCh37 (hg19) VCF-style: chr20-57484632-A-G.
Other names: c.719A>G, p.Asn240Ser (NM_001077488.5); c.671A>G, p.Asn224Ser (NM_001077489.4); c.*577A>G (NM_001077490.3); c.539A>G, p.Asn180Ser (NM_001309840.2, NM_001309861.2); c.620A>G, p.Asn207Ser (NM_001410912.1); c.2600A>G, p.Asn867Ser (NM_001410913.1); c.*622A>G (NM_016592.5); c.2645A>G, p.Asn882Ser (NM_080425.4); and 1 more; short protein forms N225S, N240S, N882S, N180S, N207S, N224S, N239S, N867S.
Identifiers: ClinVar variation 3100566 (VCV003100566.2), dbSNP rs2146280026, ClinGen allele CA409452387.

ClinVar aggregate classification (germline): Uncertain significance. Review status: criteria provided, multiple submitters, no conflicts (2 of 4 stars). 2 submissions from 2 submitters: Uncertain significance (2). Last evaluated 2023-12-04.

Conditions:
Inborn genetic diseases. Identifiers: MedGen C0950123, MeSH D030342.

Submissions (2):

Ambry Genetics
Classification: Uncertain significance for Inborn genetic diseases. Last evaluated: 2023-12-04. Review status: criteria provided, single submitter. Criteria: Ambry Variant Classification Scheme 2023. Collection method: clinical testing. Allele origin: germline.
Comment: The c.716A>G (p.N239S) alteration is located in exon 9 (coding exon 9) of the GNAS gene. This alteration results from an A to G substitution at nucleotide position 716, causing the asparagine (N) at amino acid position 239 to be replaced by a serine (S). This variant was not reported in population-based cohorts in the Genome Aggregation Database (gnomAD). Another alteration at the same codon, c.715A>G (p.N239D), has been detected as maternally inherited in one individual with atypical clinical manifestations of pseudohypoparathyroidism type 1A (Long, 2018). This amino acid position is highly conserved in available vertebrate species. The in silico prediction for this alteration is inconclusive. Based on insufficient or conflicting evidence, the clinical significance of this alteration remains unclear.

Blueprint Genetics
Classification: Uncertain significance. Last evaluated: 2023-08-10. Review status: criteria provided, single submitter. Criteria: ACMG Guidelines, 2015. Collection method: clinical testing. Allele origin: germline.

Literature cited by the submitters: PubMed 30060753 (cited by Ambry Genetics).